The following is an entry in ClinVar:

ClinVar aggregate classification (germline): Pathogenic (1 of 4 stars; one submission).

Submission:

GeneDx
Classification: Pathogenic. Last evaluated: 2024-04-15. Review status: criteria provided, single submitter. Criteria: GeneDx Variant Classification Process June 2021. Collection method: clinical testing. Allele origin: germline. Affected: yes.
Comment: Frameshift variant predicted to result in protein truncation or nonsense mediated decay in a gene for which loss-of-function is a known mechanism of disease; Not observed at significant frequency in large population cohorts (gnomAD); Has not been previously published as pathogenic or benign to our knowledge

NM_012330.4(KAT6B):c.2848_2849del (p.Lys950fs)

Gene: KAT6B (lysine acetyltransferase 6B; plus strand). Cytogenetic location: 10q22.2.
Variant type: Deletion.
Coding change: c.2848_2849del on transcript NM_012330.4 (MANE Select); coding-DNA positions 2848 to 2849, 2 bases deleted (AA; older notation c.2848_2849delAA).
Protein change: p.Lys950fs; shifts the reading frame from lysine 950.
Molecular consequence: frameshift variant.
Genome position (GRCh38, 1-based): chr10:75,020,800-75,020,801, AA deleted. VCF-style (leftmost placement, unchanged base first): chr10-75020799-CAA-C. GRCh37 (hg19) VCF-style: chr10-76780557-CAA-C.
Other names: c.2299_2300del, p.Lys767fs (NM_001256468.2, NM_001370138.1); c.1972_1973del, p.Lys658fs (NM_001256469.2, NM_001370139.1, NM_001370140.1 and 2 more transcripts); c.1810_1811del, p.Lys604fs (NM_001370132.1); c.1159_1160del, p.Lys387fs (NM_001370133.1); c.763_764del, p.Lys255fs (NM_001370134.1); c.505_506del, p.Lys169fs (NM_001370135.1); c.2848_2849del, p.Lys950fs (NM_001370136.1, NM_001370137.1); c.1783_1784del, p.Lys595fs (NM_001370143.1, NM_001370144.1); short protein forms K169fs, K255fs, K387fs, K595fs, K604fs, K658fs, K767fs, K950fs.
Identifiers: ClinVar variation 2504274 (VCV002504274.2), dbSNP rs2549161988, ClinGen allele CA2580615513.